The following is an entry in ClinVar:

NM_001385641.1(SAMD11):c.1628C>G (p.Thr543Ser)

Gene: SAMD11 (sterile alpha motif domain containing 11; plus strand). Cytogenetic location: 1p36.33.
Variant type: single nucleotide variant.
Coding change: c.1628C>G on transcript NM_001385641.1 (MANE Select); coding-DNA position 1628, C replaced by G.
Protein change: p.Thr543Ser; replaces threonine 543 with serine.
Molecular consequence: missense variant.
Genome position (GRCh38, 1-based): chr1:942,633, C>G. VCF-style: chr1-942633-C-G. GRCh37 (hg19) VCF-style: chr1-878013-C-G.
Other names: c.1631C>G, p.Thr544Ser (NM_001385640.1); c.1139C>G, p.Thr380Ser (NM_152486.4); short protein forms T544S, T380S, T543S.
Identifiers: ClinVar variation 1370052 (VCV001370052.8), dbSNP rs2100359189, ClinGen allele CA337808587.

ClinVar aggregate classification (germline): Uncertain significance (1 of 4 stars; one submission).

Allele frequency attached by ClinVar (database versions not stated): gnomAD exomes below 0.00001.
gnomAD v4.1: 1 of 1,437,550 alleles (0.00007%); highest among the groups gnomAD compares: East Asian, 0.0031%; no homozygotes.

Submission:

Labcorp Genetics (formerly Invitae), Labcorp
Classification: Uncertain significance. Last evaluated: 2024-02-24. Review status: criteria provided, single submitter. Criteria: Invitae Variant Classification Sherloc (09022015). Collection method: clinical testing. Allele origin: germline.
Comment: This sequence change replaces threonine, which is neutral and polar, with serine, which is neutral and polar, at codon 380 of the SAMD11 protein (p.Thr380Ser). This variant is not present in population databases (gnomAD no frequency). This variant has not been reported in the literature in individuals affected with SAMD11-related conditions. ClinVar contains an entry for this variant (Variation ID: 1370052). An algorithm developed to predict the effect of missense changes on protein structure and function (PolyPhen-2) suggests that this variant is likely to be tolerated. In summary, the available evidence is currently insufficient to determine the role of this variant in disease. Therefore, it has been classified as a Variant of Uncertain Significance.